The following is an entry in ClinVar:

ClinVar aggregate classification (germline): Uncertain significance (1 of 4 stars; one submission).

Conditions:
RASopathy. Also called: Noonan spectrum disorder; rasopathies. Identifiers: Orphanet 536391, MedGen C5555857, MONDO:0021060.

Submission:

Labcorp Genetics (formerly Invitae), Labcorp
Classification: Uncertain significance for RASopathy. Last evaluated: 2024-08-11. Review status: criteria provided, single submitter. Criteria: Invitae Variant Classification Sherloc (09022015). Collection method: clinical testing. Allele origin: germline.
Comment: This sequence change replaces alanine, which is neutral and non-polar, with serine, which is neutral and polar, at codon 80 of the MAP2K2 protein (p.Ala80Ser). This variant is not present in population databases (gnomAD no frequency). This variant has not been reported in the literature in individuals affected with MAP2K2-related conditions. ClinVar contains an entry for this variant (Variation ID: 1996711). Advanced modeling of protein sequence and biophysical properties (such as structural, functional, and spatial information, amino acid conservation, physicochemical variation, residue mobility, and thermodynamic stability) performed at Invitae indicates that this missense variant is not expected to disrupt MAP2K2 protein function with a negative predictive value of 95%. In summary, the available evidence is currently insufficient to determine the role of this variant in disease. Therefore, it has been classified as a Variant of Uncertain Significance.

NM_030662.4(MAP2K2):c.238G>T (p.Ala80Ser)

Gene: MAP2K2 (mitogen-activated protein kinase kinase 2; minus strand). Cytogenetic location: 19p13.3.
Variant type: single nucleotide variant.
Coding change: c.238G>T on transcript NM_030662.4 (MANE Select); coding-DNA position 238, G replaced by T.
Protein change: p.Ala80Ser; replaces alanine 80 with serine.
Molecular consequence: missense variant.
Genome position (GRCh38, 1-based): chr19:4,117,484, C>A on the plus strand (G>T on the coding strand, the complement: MAP2K2 is on the minus strand). VCF-style: chr19-4117484-C-A. GRCh37 (hg19) VCF-style: chr19-4117482-C-A.
Other names: short protein forms A80S.
Identifiers: ClinVar variation 1996711 (VCV001996711.4), dbSNP rs751795549, ClinGen allele CA403392524.